The following is an entry in ClinVar:

ClinVar aggregate classification (germline): Pathogenic (1 of 4 stars; one submission).

Conditions:
Niemann-Pick disease, type C1. Also called: NEUROVISCERAL STORAGE DISEASE WITH VERTICAL SUPRANUCLEAR OPHTHALMOPLEGIA; NIEMANN-PICK DISEASE WITH CHOLESTEROL ESTERIFICATION BLOCK; NIEMANN-PICK DISEASE WITHOUT SPHINGOMYELINASE DEFICIENCY; NIEMANN-PICK DISEASE, CHRONIC NEURONOPATHIC FORM; NIEMANN-PICK DISEASE, VARIANT TYPE C1. Identifiers: Orphanet 646, MedGen C3179455, MONDO:0009757, OMIM 257220.

Submission:

Myriad Genetics, Inc.
Classification: Pathogenic for Niemann-Pick disease, type C1. Last evaluated: 2025-04-15. Review status: criteria provided, single submitter. Criteria: Myriad Autosomal Dominant, Autosomal Recessive and X-Linked Classification Criteria (2023). Collection method: clinical testing. Allele origin: unknown.
Comment: NM_000271.4(NPC1):c.3105dupC(T1036Hfs*15) is expected to be pathogenic in the context of Niemann-Pick disease type C1. This variant is predicted to lead to an abnormal or absent protein product due to the creation of a premature termination codon in NPC1, a gene where loss-of-function variants are known to be pathogenic. Please note: this variant was assessed in the context of healthy population screening.

NM_000271.5(NPC1):c.3105dup (p.Thr1036fs)

Gene: NPC1 (NPC intracellular cholesterol transporter 1; minus strand). Cytogenetic location: 18q11.2.
Variant type: Duplication.
Coding change: c.3105dup on transcript NM_000271.5 (MANE Select); coding-DNA position 3105, one base duplicated (C; older notation c.3105dupC).
Protein change: p.Thr1036fs; shifts the reading frame from threonine 1036.
Molecular consequence: frameshift variant.
Genome position (GRCh38, 1-based): chr18:23,536,813, G duplicated on the plus strand (C on the coding strand, the reverse complement: NPC1 is on the minus strand); the first of 2 consecutive G bases (chr18:23,536,813-23,536,814); duplicating either gives the same sequence. VCF-style (leftmost placement, unchanged base first): chr18-23536812-T-TG. GRCh37 (hg19) VCF-style: chr18-21116776-T-TG.
Other names: short protein forms T1036fs.
Identifiers: ClinVar variation 5014329 (VCV005014329.1).